The following is an entry in ClinVar:

NM_022132.5(MCCC2):c.1149+5G>A

Gene: MCCC2 (methylcrotonyl-CoA carboxylase subunit 2; plus strand). Cytogenetic location: 5q13.2.
Variant type: single nucleotide variant.
Coding change: c.1149+5G>A on transcript NM_022132.5 (MANE Select); 5 bases into the intron after coding-DNA position 1149, G replaced by A.
Molecular consequence: intron variant.
Genome position (GRCh38, 1-based): chr5:71,643,900, G>A. VCF-style: chr5-71643900-G-A. GRCh37 (hg19) VCF-style: chr5-70939727-G-A.
Other names: c.1035+5G>A (NM_001363147.1).
Identifiers: ClinVar variation 3345526 (VCV003345526.2).

ClinVar aggregate classification (germline): Uncertain significance. Review status: criteria provided, single submitter (1 of 4 stars). 2 submissions from 2 submitters: Uncertain significance (1). 1 of the submissions does not count toward it. Last evaluated 2024-10-02.

Conditions:
MCCC2-related disorder. Also called: MCCC2-related condition.

gnomAD v4.1: 2 of 1,613,942 alleles (0.00012%); highest among the groups gnomAD compares: South Asian, 0.0022%; no homozygotes.

Submissions (2):

GeneDx
Classification: Uncertain significance. Last evaluated: 2024-10-02. Review status: criteria provided, single submitter. Criteria: GeneDx Variant Classification Process June 2021. Collection method: clinical testing. Allele origin: germline. Affected: yes.
Comment: Has not been previously published as pathogenic or benign to our knowledge; Not observed at significant frequency in large population cohorts (gnomAD); In silico analysis is inconclusive as to whether the variant alters gene splicing. In the absence of RNA/functional studies, the actual effect of this sequence change is unknown.

PreventionGenetics, part of Exact Sciences
Classification: Uncertain significance for MCCC2-related condition. Last evaluated: 2024-08-30. Review status: no assertion criteria provided. Collection method: clinical testing. Allele origin: germline. Not counted in ClinVar's aggregate classification.
Comment: The MCCC2 c.1149+5G>A variant is predicted to interfere with splicing. To our knowledge, this variant has not been reported in the literature. An alternate nucleotide change at the same location (c.1149+5G>C) was reported along with a rare MCCC2 missense variant in an individual with a suspected diagnosis of 3-methylcrotonyl-CoA carboxylase deficiency (Grünert et al. 2012. PubMed ID: 22642865). The c.1149+5G>A variant is reported in 0.0033% of alleles in individuals of South Asian descent in gnomAD. Although we suspect that this variant may be pathogenic, at this time, the clinical significance of this variant is uncertain due to the absence of conclusive functional and genetic evidence.